The following is an entry in ClinVar:

ClinVar aggregate classification (germline): Uncertain significance (1 of 4 stars; one submission).

gnomAD v4.1: 1 of 1,548,232 alleles (0.000065%); highest among the groups gnomAD compares: Admixed American, 0.002%; no homozygotes.

Submission:

CeGaT Center for Human Genetics Tuebingen
Classification: Uncertain significance. Last evaluated: 2026-04-01. Review status: criteria provided, single submitter. Criteria: CeGaT Center For Human Genetics Tuebingen Variant Classification Criteria Version 2. Collection method: clinical testing. Allele origin: germline. Affected: yes. Observed: 1 variant allele.
Comment: CC2D1A: PM2, BP4

NM_017721.5(CC2D1A):c.151T>C (p.Leu51=)

Gene: CC2D1A (coiled-coil and C2 domain containing 1A; plus strand). Cytogenetic location: 19p13.12.
Variant type: single nucleotide variant.
Coding change: c.151T>C on transcript NM_017721.5 (MANE Select); coding-DNA position 151, T replaced by C.
Protein change: p.Leu51=; no amino-acid change (leucine 51 retained).
Molecular consequence: synonymous variant.
Genome position (GRCh38, 1-based): chr19:13,909,913, T>C. VCF-style: chr19-13909913-T-C. GRCh37 (hg19) VCF-style: chr19-14020726-T-C.
Other names: c.151T>C, p.Leu51= (NM_001411138.1).
Identifiers: ClinVar variation 4872671 (VCV004872671.2).